The following is an entry in ClinVar:

NM_004168.4(SDHA):c.1913C>T (p.Thr638Ile)

Gene: SDHA (succinate dehydrogenase complex flavoprotein subunit A; plus strand). Cytogenetic location: 5p15.33.
Variant type: single nucleotide variant.
Coding change: c.1913C>T on transcript NM_004168.4 (MANE Select); coding-DNA position 1913, C replaced by T.
Protein change: p.Thr638Ile; replaces threonine 638 with isoleucine.
Molecular consequence: missense variant.
Genome position (GRCh38, 1-based): chr5:256,338, C>T. VCF-style: chr5-256338-C-T. GRCh37 (hg19) VCF-style: chr5-256453-C-T.
Other names: c.1769C>T, p.Thr590Ile (NM_001294332.2); c.1670C>T, p.Thr557Ile (NM_001330758.2); short protein forms T557I, T590I, T638I.
Identifiers: ClinVar variation 656041 (VCV000656041.16), dbSNP rs370133236, ClinGen allele CA3173459.

ClinVar aggregate classification (germline): Uncertain significance. Review status: criteria provided, multiple submitters, no conflicts (2 of 4 stars). 2 submissions from 2 submitters: Uncertain significance (2). Last evaluated 2025-09-24.

Conditions:
Pheochromocytoma/paraganglioma syndrome 5. Also called: Paragangliomas 5; SDHA-Related Hereditary Paraganglioma-Pheochromocytoma Syndrome. Identifiers: Orphanet 29072, MedGen C3279992, MONDO:0013602, OMIM 614165.
Mitochondrial complex II deficiency, nuclear type 1. Also called: SUCCINATE CoQ REDUCTASE DEFICIENCY. Identifiers: Orphanet 3208, MedGen C5700310, MONDO:0100294, OMIM 252011.
Hereditary cancer-predisposing syndrome. Also called: Tumor predisposition; Neoplastic Syndromes, Hereditary; Hereditary Cancer Syndrome; Hereditary neoplastic syndrome. Identifiers: Orphanet 140162, MedGen C0027672, MeSH D009386, MONDO:0015356.

Allele frequency attached by ClinVar (database versions not stated): gnomAD exomes 0.00001; ExAC 0.00002; ESP Exome Variant Server 0.00008.

Submissions (2):

Labcorp Genetics (formerly Invitae), Labcorp
Classification: Uncertain significance for Pheochromocytoma/paraganglioma syndrome 5; Mitochondrial complex II deficiency, nuclear type 1. Last evaluated: 2025-09-24. Review status: criteria provided, single submitter. Criteria: Invitae Variant Classification Sherloc (09022015). Collection method: clinical testing. Allele origin: germline.
Comment: This sequence change replaces threonine, which is neutral and polar, with isoleucine, which is neutral and non-polar, at codon 638 of the SDHA protein (p.Thr638Ile). This variant is present in population databases (rs370133236, gnomAD 0.002%). This variant has not been reported in the literature in individuals affected with SDHA-related conditions. ClinVar contains an entry for this variant (Variation ID: 656041). Invitae Evidence Modeling of protein sequence and biophysical properties (such as structural, functional, and spatial information, amino acid conservation, physicochemical variation, residue mobility, and thermodynamic stability) indicates that this missense variant is not expected to disrupt SDHA protein function with a negative predictive value of 95%. In summary, the available evidence is currently insufficient to determine the role of this variant in disease. Therefore, it has been classified as a Variant of Uncertain Significance.

Ambry Genetics
Classification: Uncertain significance for Hereditary cancer-predisposing syndrome. Last evaluated: 2025-08-24. Review status: criteria provided, single submitter. Criteria: Ambry Variant Classification Scheme 2023. Collection method: clinical testing. Allele origin: germline.
Comment: The p.T638I variant (also known as c.1913C>T), located in coding exon 15 of the SDHA gene, results from a C to T substitution at nucleotide position 1913. The threonine at codon 638 is replaced by isoleucine, an amino acid with similar properties. This amino acid position is not well conserved in available vertebrate species. In addition, this alteration is predicted to be tolerated by in silico analysis. Since supporting evidence is limited at this time, the clinical significance of this alteration remains unclear.